The following is an entry in ClinVar:

NM_138694.4(PKHD1):c.9040del (p.Trp3014fs)

Gene: PKHD1 (PKHD1 ciliary IPT domain containing fibrocystin/polyductin; minus strand). Cytogenetic location: 6p12.3.
Variant type: Deletion.
Coding change: c.9040del on transcript NM_138694.4 (MANE Select); coding-DNA position 9040, one base deleted (T; older notation c.9040delT).
Protein change: p.Trp3014fs; shifts the reading frame from tryptophan 3014.
Molecular consequence: frameshift variant.
Genome position (GRCh38, 1-based): chr6:51,748,576, A deleted on the plus strand (T on the coding strand, the reverse complement: PKHD1 is on the minus strand). VCF-style (leftmost placement, unchanged base first): chr6-51748575-CA-C. GRCh37 (hg19) VCF-style: chr6-51613373-CA-C.
Other names: c.9040del, p.Trp3014fs (NM_170724.3); short protein forms W3014fs.
Identifiers: ClinVar variation 5015765 (VCV005015765.1).
Genomic context (GRCh38, chr6:51,748,575, plus strand): 5'-TGACTGGCAGCTGCATGAATGCCCCCGCCACAGCTCTGGTGCAGAGTAGATGATATGATC[CA>C]GGATCCTGCTGACACATTACTGAATTCAACAGATGAGTACAATGGTGACCCGAAGTTCTG-3'

ClinVar aggregate classification (germline): Pathogenic (1 of 4 stars; one submission).

Conditions:
Polycystic kidney disease 4 (PKD4). Also called: PKD3; Autosomal Recessive Polycystic Kidney Disease – PKHD1; POLYCYSTIC KIDNEY AND HEPATIC DISEASE 1; POLYCYSTIC KIDNEY DISEASE, INFANTILE, TYPE I; POLYCYSTIC KIDNEY DISEASE 4 WITH OR WITHOUT POLYCYSTIC LIVER DISEASE. Identifiers: MedGen C4540575, MONDO:0033004, OMIM 263200.

Submission:

Myriad Genetics, Inc.
Classification: Pathogenic for Polycystic kidney disease 4. Last evaluated: 2026-04-04. Review status: criteria provided, single submitter. Criteria: Myriad Autosomal Dominant, Autosomal Recessive and X-Linked Classification Criteria (2023). Collection method: clinical testing. Allele origin: unknown.
Comment: NM_138694.3(PKHD1):c.9040delT(W3014Gfs*25) is expected to be pathogenic in the context of autosomal recessive polycystic kidney disease, PKHD1-related. This variant is predicted to lead to an abnormal or absent protein product due to the creation of a premature termination codon in PKHD1, a gene where loss-of-function variants are known to be pathogenic. Please note: this variant was assessed in the context of healthy population screening.